The following is an entry in ClinVar:

ClinVar aggregate classification (germline): Uncertain significance (1 of 4 stars; one submission).

Conditions:
Meckel-Gruber syndrome. Also called: DYSENCEPHALIA SPLANCHNOCYSTICA; GRUBER SYNDROME; Dysencephalia splachnocystica. Identifiers: Orphanet 564, MedGen C0265215, MONDO:0018921.
Joubert syndrome. Also called: CEREBELLOPARENCHYMAL DISORDER IV; JOUBERT-BOLTSHAUSER SYNDROME; Familial aplasia of the vermis. Identifiers: Orphanet 475, MedGen C5979921, MONDO:0018772.

Allele frequency attached by ClinVar (database versions not stated): gnomAD exomes below 0.00001.
gnomAD v4.1: 2 of 1,611,734 alleles (0.00012%); highest among the groups gnomAD compares: Non-Finnish European, 0.00017%; no homozygotes.

Submission:

Labcorp Genetics (formerly Invitae), Labcorp
Classification: Uncertain significance for Joubert syndrome; Meckel-Gruber syndrome. Last evaluated: 2022-02-04. Review status: criteria provided, single submitter. Criteria: Invitae Variant Classification Sherloc (09022015). Collection method: clinical testing. Allele origin: germline.
Comment: In summary, the available evidence is currently insufficient to determine the role of this variant in disease. Therefore, it has been classified as a Variant of Uncertain Significance. Algorithms developed to predict the effect of missense changes on protein structure and function (SIFT, PolyPhen-2, Align-GVGD) all suggest that this variant is likely to be tolerated. This variant has not been reported in the literature in individuals affected with RPGRIP1L-related conditions. This variant is present in population databases (no rsID available, gnomAD 0.0009%). This sequence change replaces serine, which is neutral and polar, with alanine, which is neutral and non-polar, at codon 1079 of the RPGRIP1L protein (p.Ser1079Ala).

NM_015272.5(RPGRIP1L):c.3235T>G (p.Ser1079Ala)

Gene: RPGRIP1L (RPGRIP1 like; minus strand). Cytogenetic location: 16q12.2.
Variant type: single nucleotide variant.
Coding change: c.3235T>G on transcript NM_015272.5 (MANE Select); coding-DNA position 3235, T replaced by G.
Protein change: p.Ser1079Ala; replaces serine 1079 with alanine.
Molecular consequence: missense variant.
Genome position (GRCh38, 1-based): chr16:53,636,498, A>C on the plus strand (T>G on the coding strand, the complement: RPGRIP1L is on the minus strand). VCF-style: chr16-53636498-A-C. GRCh37 (hg19) VCF-style: chr16-53670410-A-C.
Other names: c.3133T>G, p.Ser1045Ala (NM_001127897.4, NM_001330538.2); c.3235T>G, p.Ser1079Ala (NM_001308334.3); short protein forms S1045A, S1079A.
Identifiers: ClinVar variation 1524951 (VCV001524951.7), dbSNP rs1295300355, ClinGen allele CA395925816.
Genomic context (GRCh38, chr16:53,636,498, plus strand): 5'-CCTGTTTGATATTCTTGGAGATAGGACCTGGAATAATACAGTCATCACTGTCAGAAGCTG[A>C]CATGTCCTCTTCAACTGTTTAAAAAATAAAAGGGTAACATTTACACAAGTTAAACCAATT-3'
Protein context (NP_056087.2, residues 1069-1089): DLEPEVEEDM[Ser1079Ala]ASDSDDCIIP